The following is an entry in ClinVar:

NM_001377.3(DYNC2H1):c.8661A>G (p.Lys2887=)

Gene: DYNC2H1 (dynein cytoplasmic 2 heavy chain 1; plus strand). Cytogenetic location: 11q22.3.
Variant type: single nucleotide variant.
Coding change: c.8661A>G on transcript NM_001377.3 (MANE Select); coding-DNA position 8661, A replaced by G.
Protein change: p.Lys2887=; no amino-acid change (lysine 2887 retained).
Molecular consequence: synonymous variant.
Genome position (GRCh38, 1-based): chr11:103,211,910, A>G. VCF-style: chr11-103211910-A-G. GRCh37 (hg19) VCF-style: chr11-103082639-A-G.
Other names: c.8661A>G, p.Lys2887= (NM_001080463.2); c.8661A>G (NM_001080463.1).
Identifiers: ClinVar variation 1579630 (VCV001579630.13), dbSNP rs376184114, ClinGen allele CA6254496.

ClinVar aggregate classification (germline): Likely benign. Review status: criteria provided, multiple submitters, no conflicts (2 of 4 stars). 5 submissions from 5 submitters: Likely benign (4). 1 of the submissions does not count toward it. Last evaluated 2026-04-14.

Conditions:
Asphyxiating thoracic dystrophy 3. Also called: SHORT-RIB THORACIC DYSPLASIA 3 WITH OR WITHOUT POLYDACTYLY; POLYDACTYLY WITH NEONATAL CHONDRODYSTROPHY, TYPE I; SHORT-RIB THORACIC DYSPLASIA 3/6 WITH POLYDACTYLY, DIGENIC; Short rib polydactyly syndrome 2B; Saldino-Noonan Syndrome. Identifiers: Orphanet 474, Orphanet 93269, Orphanet 93270, Orphanet 93271, MedGen C0036069, MONDO:0013127, OMIM 613091.
Jeune thoracic dystrophy. Also called: Short-rib thoracic dysplasia; Jeune syndrome; Infantile thoracic dystrophy; Thoracic pelvic phalangeal dystrophy; Jeune's syndrome; Chondroectodermal dysplasia-like syndrome. Identifiers: Orphanet 474, MedGen C0265275, MONDO:0018770.
DYNC2H1-related disorder. Also called: DYNC2H1-related disorders; DYNC2H1-related condition. Identifiers: MedGen CN378770.

Allele frequency attached by ClinVar (database versions not stated): gnomAD exomes 0.00002 and 0.00009; ExAC 0.00027; ESP Exome Variant Server 0.00034; TOPMed 0.00038; gnomAD 0.00042 and 0.00046.
gnomAD v4.1: 97 of 1,537,708 alleles (0.0063%); highest among the groups gnomAD compares: African/African-American, 0.13%; 1 homozygote.

Submissions (5):

Women's Health and Genetics/Laboratory Corporation of America, LabCorp
Classification: Likely benign. Last evaluated: 2026-04-14. Review status: criteria provided, single submitter. Criteria: LabCorp Variant Classification Summary - May 2015. Collection method: clinical testing. Allele origin: germline.

Labcorp Genetics (formerly Invitae), Labcorp
Classification: Likely benign for Jeune thoracic dystrophy. Last evaluated: 2026-01-31. Review status: criteria provided, single submitter. Criteria: Invitae Variant Classification Sherloc (09022015). Collection method: clinical testing. Allele origin: germline.

ARUP Laboratories, Molecular Genetics and Genomics, ARUP Laboratories
Classification: Likely benign for Asphyxiating thoracic dystrophy 3. Last evaluated: 2024-10-28. Review status: criteria provided, single submitter. Criteria: ARUP Molecular Germline Variant Investigation Process 2024. Collection method: clinical testing. Allele origin: germline.

Blueprint Genetics
Classification: Likely benign. Last evaluated: 2022-10-26. Review status: criteria provided, single submitter. Criteria: ACMG Guidelines, 2015. Collection method: clinical testing. Allele origin: germline.

PreventionGenetics, part of Exact Sciences
Classification: Likely benign for DYNC2H1-related condition. Last evaluated: 2019-04-01. Review status: no assertion criteria provided. Collection method: clinical testing. Allele origin: germline. Not counted in ClinVar's aggregate classification.
Comment: This variant is classified as likely benign based on ACMG/AMP sequence variant interpretation guidelines (Richards et al. 2015 PMID: 25741868, with internal and published modifications).